The following is an entry in ClinVar:

ClinVar aggregate classification (germline): Uncertain significance. Review status: criteria provided, multiple submitters, no conflicts (2 of 4 stars). 3 submissions from 3 submitters: Uncertain significance (3). Last evaluated 2025-02-17.

Conditions:
Inborn genetic diseases. Identifiers: MedGen C0950123, MeSH D030342.

gnomAD v4.1: 4 of 1,613,716 alleles (0.00025%); highest among the groups gnomAD compares: Admixed American, 0.0067%; no homozygotes.

Submissions (3):

Labcorp Genetics (formerly Invitae), Labcorp
Classification: Uncertain significance. Last evaluated: 2025-02-17. Review status: criteria provided, single submitter. Criteria: Invitae Variant Classification Sherloc (09022015). Collection method: clinical testing. Allele origin: germline.
Comment: This sequence change replaces isoleucine, which is neutral and non-polar, with lysine, which is basic and polar, at codon 722 of the SAMD9L protein (p.Ile722Lys). This variant is present in population databases (no rsID available, gnomAD 0.006%). This variant has not been reported in the literature in individuals affected with SAMD9L-related conditions. ClinVar contains an entry for this variant (Variation ID: 1337331). Invitae Evidence Modeling of protein sequence and biophysical properties (such as structural, functional, and spatial information, amino acid conservation, physicochemical variation, residue mobility, and thermodynamic stability) indicates that this missense variant is expected to disrupt SAMD9L protein function with a positive predictive value of 80%. In summary, the available evidence is currently insufficient to determine the role of this variant in disease. Therefore, it has been classified as a Variant of Uncertain Significance.

Ambry Genetics
Classification: Uncertain significance for Inborn genetic diseases. Last evaluated: 2024-11-26. Review status: criteria provided, single submitter. Criteria: Ambry Variant Classification Scheme 2023. Collection method: clinical testing. Allele origin: germline.
Comment: The p.I722K variant (also known as c.2165T>A), located in coding exon 1 of the SAMD9L gene, results from a T to A substitution at nucleotide position 2165. The isoleucine at codon 722 is replaced by lysine, an amino acid with dissimilar properties. This amino acid position is conserved. In addition, this alteration is predicted to be deleterious by in silico analysis. Based on the available evidence, the clinical significance of this variant remains unclear.

Genetic Services Laboratory, University of Chicago
Classification: Uncertain significance. Last evaluated: 2020-09-08. Review status: criteria provided, single submitter. Criteria: ACMG Guidelines, 2015. Collection method: clinical testing. Allele origin: germline. Affected: no.
Comment: DNA sequence analysis of the SAMD9L gene demonstrated a sequence change, c.2165T>A, in exon 5 that results in an amino acid change, p.Ile722Lys. This sequence change does not appear to have been previously described in patients with SAMD9L-related disorders and has been described in the gnomAD database in two individuals with an overall population frequency of 0.0008% (dbSNP rs561539359). The p.Ile722Lys change affects a highly conserved amino acid residue located in a domain of the SAMD9L protein that is not known to be functional. The p.Ile722Lys substitution appears to be deleterious using several in-silico pathogenicity prediction tools (SIFT, PolyPhen2, Align GVGD, REVEL). Due to these contrasting evidences and the lack of functional studies, the clinical significance of the p.Ile722Lys change remains unknown at this time.

NM_152703.5(SAMD9L):c.2165T>A (p.Ile722Lys)

Gene: SAMD9L (sterile alpha motif domain containing 9 like; minus strand). Cytogenetic location: 7q21.2.
Variant type: single nucleotide variant.
Coding change: c.2165T>A on transcript NM_152703.5 (MANE Select); coding-DNA position 2165, T replaced by A.
Protein change: p.Ile722Lys; replaces isoleucine 722 with lysine.
Molecular consequence: missense variant.
Genome position (GRCh38, 1-based): chr7:93,133,807, A>T on the plus strand (T>A on the coding strand, the complement: SAMD9L is on the minus strand). VCF-style: chr7-93133807-A-T. GRCh37 (hg19) VCF-style: chr7-92763120-A-T.
Other names: c.2165T>A, p.Ile722Lys (NM_001303496.3, NM_001303497.3, NM_001303498.3 and 5 more transcripts); c.2165T>A (NM_152703.2); short protein forms I722K.
Identifiers: ClinVar variation 1337331 (VCV001337331.12), dbSNP rs561539359, ClinGen allele CA368192479.
Genomic context (GRCh38, chr7:93,133,807, plus strand): 5'-TGATGATAAAGATTGATGATTTTTGCAAATATTGGTTTAGGAGACTCTGCCCAGCAGTGT[A>T]TTAAATCTTTAAGCTTTTCATAACTGTCCCTTTTAACAAAATCTGAAGAATAGTTTTCAG-3'
Protein context (NP_689916.2, residues 712-732): RDSYEKLKDL[Ile722Lys]HCWAESPKPI